The following is an entry in ClinVar:

NM_000043.6(FAS):c.802dup (p.Gln268fs)

Gene: FAS (Fas cell surface death receptor; plus strand). Cytogenetic location: 10q23.31.
Variant type: Duplication.
Coding change: c.802dup on transcript NM_000043.6 (MANE Select); coding-DNA position 802, one base duplicated (C; older notation c.802dupC).
Protein change: p.Gln268fs; shifts the reading frame from glutamine 268.
Molecular consequence: frameshift variant. On other transcripts: 3 prime UTR variant (2), non-coding transcript variant (7).
Genome position (GRCh38, 1-based): chr10:89,014,244, C duplicated; the last of 2 consecutive C bases (chr10:89,014,243-89,014,244); duplicating either gives the same sequence. VCF-style (leftmost placement, unchanged base first): chr10-89014242-T-TC. GRCh37 (hg19) VCF-style: chr10-90773999-T-TC.
Other names: c.*125dup (NM_001320619.2); c.847dup, p.Gln283Profs (NM_001410956.1); c.739dup, p.Gln247fs (NM_152871.4); c.*114dup (NM_152872.4); short protein forms Q247fs, Q268fs.
Identifiers: ClinVar variation 1705463 (VCV001705463.1), dbSNP rs2495225911, ClinGen allele CA2580082357.

ClinVar aggregate classification (germline): Likely pathogenic (1 of 4 stars; one submission).

Conditions:
Autoimmune lymphoproliferative syndrome type 1. Also called: AUTOIMMUNE LYMPHOPROLIFERATIVE SYNDROME, TYPE I, AUTOSOMAL DOMINANT. Identifiers: Orphanet 3261, MedGen C2717884, MONDO:0011158, OMIM 601859.

Submission:

3billion
Classification: Likely pathogenic for Autoimmune lymphoproliferative syndrome type 1. Last evaluated: 2022-09-01. Review status: criteria provided, single submitter. Criteria: ACMG Guidelines, 2015. Collection method: clinical testing. Allele origin: germline. Affected: yes. Observed: 1 heterozygote.
Comment: The variant is not observed in the gnomAD v2.1.1 dataset. Frameshift variant is predicted to result in a loss or disruption of normal protein function through protein truncation. Multiple pathogenic variants are reported in the predicted truncated region. Therefore, this variant is classified as Likely pathogenic according to the recommendation of ACMG/AMP guideline.